The following is an entry in ClinVar:

ClinVar aggregate classification (germline): Uncertain significance. Review status: criteria provided, multiple submitters, no conflicts (2 of 4 stars). 2 submissions from 2 submitters: Uncertain significance (2). Last evaluated 2024-12-02.

Conditions:
Phosphoenolpyruvate carboxykinase deficiency, mitochondrial. Also called: PCK2 DEFICIENCY; PEPCK2 DEFICIENCY. Identifiers: Orphanet 2880, MedGen C1849821, MONDO:0009864, OMIM 261650.

Allele frequency attached by ClinVar (database versions not stated): gnomAD 0.00013; TOPMed 0.00013.
gnomAD v4.1: 186 of 1,608,938 alleles (0.012%); highest among the groups gnomAD compares: South Asian, 0.14%; no homozygotes.

Submissions (2):

Labcorp Genetics (formerly Invitae), Labcorp
Classification: Uncertain significance. Last evaluated: 2024-12-02. Review status: criteria provided, single submitter. Criteria: Invitae Variant Classification Sherloc (09022015). Collection method: clinical testing. Allele origin: germline.
Comment: This sequence change replaces arginine, which is basic and polar, with histidine, which is basic and polar, at codon 96 of the PCK2 protein (p.Arg96His). This variant is present in population databases (rs770940344, gnomAD 0.1%), and has an allele count higher than expected for a pathogenic variant. This variant has not been reported in the literature in individuals affected with PCK2-related conditions. ClinVar contains an entry for this variant (Variation ID: 1032911). Invitae Evidence Modeling of protein sequence and biophysical properties (such as structural, functional, and spatial information, amino acid conservation, physicochemical variation, residue mobility, and thermodynamic stability) indicates that this missense variant is not expected to disrupt PCK2 protein function with a negative predictive value of 80%. In summary, the available evidence is currently insufficient to determine the role of this variant in disease. Therefore, it has been classified as a Variant of Uncertain Significance.

Baylor Genetics
Classification: Uncertain significance for Phosphoenolpyruvate carboxykinase deficiency, mitochondrial. Last evaluated: 2018-02-16. Review status: criteria provided, single submitter. Criteria: ACMG Guidelines, 2015. Collection method: clinical testing. Allele origin: maternal. Affected: yes.
Comment: This variant was determined to be of uncertain significance according to ACMG Guidelines, 2015 [PMID:25741868].

NM_004563.4(PCK2):c.287G>A (p.Arg96His)

Genes: NRL (neural retina leucine zipper; minus strand), PCK2 (phosphoenolpyruvate carboxykinase 2, mitochondrial; plus strand). Cytogenetic location: 14q11.2.
Variant type: single nucleotide variant.
Coding change: c.287G>A on transcript NM_004563.4 (MANE Select); coding-DNA position 287, G replaced by A.
Protein change: p.Arg96His; replaces arginine 96 with histidine.
Molecular consequence: missense variant. On other transcripts: 5 prime UTR variant (2), intron variant (3).
Genome position (GRCh38, 1-based): chr14:24,098,214, G>A. VCF-style: chr14-24098214-G-A. GRCh37 (hg19) VCF-style: chr14-24567423-G-A.
Other names: c.287G>A, p.Arg96His (NM_001018073.3); c.-116G>A (NM_001291556.2, NM_001308054.2); c.-27-15339C>T (NM_001354768.3, NM_001354770.2); c.-253-13469C>T (NM_006177.5); short protein forms R96H.
Identifiers: ClinVar variation 1032911 (VCV001032911.4), dbSNP rs770940344, ClinGen allele CA7123081.